The following is an entry in ClinVar:

ClinVar aggregate classification (germline): Uncertain significance (1 of 4 stars; one submission).

Conditions:
NRP2-related disorder. Also called: NRP2-related condition.

gnomAD v4.1: 3 of 1,614,160 alleles (0.00019%); highest among the groups gnomAD compares: Non-Finnish European, 0.00025%; no homozygotes.

Submission:

PreventionGenetics, part of Exact Sciences
Classification: Uncertain significance for NRP2-related condition. Last evaluated: 2024-12-10. Review status: criteria provided, single submitter. Criteria: ACMG Guidelines, 2015. Collection method: clinical testing. Allele origin: germline.
Comment: The NRP2 c.1278C>G variant is not predicted to result in an amino acid change (p.=). To our knowledge, this variant has not been reported in the literature. This variant is reported in 0.00088% of alleles in individuals of European (Non-Finnish) descent in gnomAD. This variant is predicted to alter splicing based on available splicing prediction programs (SpliceAI, Jaganathan et al. 2019. PubMed ID: 30661751). However, the use of computer prediction programs is not equivalent to functional evidence. At this time, the clinical significance of this variant is uncertain due to the absence of conclusive functional and genetic evidence.

NM_003872.3(NRP2):c.1278C>G (p.Gly426=)

Gene: NRP2 (neuropilin 2; plus strand). Cytogenetic location: 2q33.3.
Variant type: single nucleotide variant.
Coding change: c.1278C>G on transcript NM_003872.3 (MANE Select); coding-DNA position 1278, C replaced by G.
Protein change: p.Gly426=; no amino-acid change (glycine 426 retained).
Molecular consequence: synonymous variant.
Genome position (GRCh38, 1-based): chr2:205,740,650, C>G. VCF-style: chr2-205740650-C-G. GRCh37 (hg19) VCF-style: chr2-206605374-C-G.
Other names: c.1278C>G, p.Gly426= (NM_018534.4, NM_201264.2, NM_201266.2 and 2 more transcripts).
Identifiers: ClinVar variation 4984141 (VCV004984141.1).